The following is an entry in ClinVar:

ClinVar aggregate classification (germline): Pathogenic/Likely pathogenic. Review status: criteria provided, multiple submitters, no conflicts (2 of 4 stars). 2 submissions from 2 submitters: Pathogenic (1); Likely pathogenic (1). Last evaluated 2021-08-10.

Conditions:
Wilson disease (WND). Also called: Wilson's disease. Identifiers: Orphanet 905, MedGen C0019202, MONDO:0010200, OMIM 277900. Disease mechanism: loss of function.

Submissions (2):

Genome-Nilou Lab
Classification: Likely pathogenic for Wilson disease. Last evaluated: 2021-08-10. Review status: criteria provided, single submitter. Criteria: ACMG Guidelines, 2015. Collection method: clinical testing. Allele origin: germline. Affected: no.

GenePathDx, GenePath diagnostics
Classification: Pathogenic for Wilson disease. Last evaluated: 2017-03-01. Review status: criteria provided, single submitter. Criteria: GenePathDx_Criteria_classificationV2. Collection method: clinical testing. Allele origin: germline. Inheritance: Autosomal recessive inheritance. Affected: yes. Observed: 1 variant allele.
Comment: Next generation DNA sequencing of peripheral blood sample has revealed the presence of a homozygous pathogenic variant c.3236G>T in the ATP7B gene

NM_000053.4(ATP7B):c.3236G>T (p.Cys1079Phe)

Gene: ATP7B (ATPase copper transporting beta; minus strand). Cytogenetic location: 13q14.3.
Variant type: single nucleotide variant.
Coding change: c.3236G>T on transcript NM_000053.4 (MANE Select); coding-DNA position 3236, G replaced by T.
Protein change: p.Cys1079Phe; replaces cysteine 1079 with phenylalanine.
Molecular consequence: missense variant.
Genome position (GRCh38, 1-based): chr13:51,944,116, C>A on the plus strand (G>T on the coding strand, the complement: ATP7B is on the minus strand). VCF-style: chr13-51944116-C-A. GRCh37 (hg19) VCF-style: chr13-52518252-C-A.
Other names: c.2615G>T, p.Cys872Phe (NM_001005918.3); c.2903G>T, p.Cys968Phe (NM_001243182.2); c.3002G>T, p.Cys1001Phe (NM_001330578.2); c.2984G>T, p.Cys995Phe (NM_001330579.2); short protein forms C1079F, C1001F, C968F, C995F, C872F.
Identifiers: ClinVar variation 424618 (VCV000424618.5), dbSNP rs1064797072, ClinGen allele CA16621524.